The following is an entry in ClinVar:

NM_145207.3(AFG2A):c.2474T>C (p.Ile825Thr)

Gene: AFG2A (AFG2 AAA ATPase homolog A; plus strand). Cytogenetic location: 4q28.1.
Variant type: single nucleotide variant.
Coding change: c.2474T>C on transcript NM_145207.3 (MANE Select); coding-DNA position 2474, T replaced by C.
Protein change: p.Ile825Thr; replaces isoleucine 825 with threonine.
Molecular consequence: missense variant.
Genome position (GRCh38, 1-based): chr4:123,256,149, T>C. VCF-style: chr4-123256149-T-C. GRCh37 (hg19) VCF-style: chr4-124177304-T-C.
Other names: c.2471T>C, p.Ile824Thr (NM_001345856.2); short protein forms I824T, I825T.
Identifiers: ClinVar variation 2151989 (VCV002151989.1), dbSNP rs1741470953, ClinGen allele CA358230794.

ClinVar aggregate classification (germline): Uncertain significance (1 of 4 stars; one submission).

Conditions:
Microcephaly-intellectual disability-sensorineural hearing loss-epilepsy-abnormal muscle tone syndrome (NEDHSB). Also called: NEURODEVELOPMENTAL DISORDER WITH HEARING LOSS, SEIZURES, AND BRAIN ABNORMALITIES. Identifiers: Orphanet 457351, MedGen C4225276, MONDO:0014698, OMIM 616577.

Allele frequency attached by ClinVar (database versions not stated): gnomAD exomes 0.00001.
gnomAD v4.1: 4 of 1,614,144 alleles (0.00025%); highest among the groups gnomAD compares: Non-Finnish European, 0.00034%; no homozygotes.

Submission:

Labcorp Genetics (formerly Invitae), Labcorp
Classification: Uncertain significance for Microcephaly-intellectual disability-sensorineural hearing loss-epilepsy-abnormal muscle tone syndrome. Last evaluated: 2022-07-04. Review status: criteria provided, single submitter. Criteria: Invitae Variant Classification Sherloc (09022015). Collection method: clinical testing. Allele origin: germline.
Comment: This sequence change replaces isoleucine, which is neutral and non-polar, with threonine, which is neutral and polar, at codon 825 of the SPATA5 protein (p.Ile825Thr). This variant is not present in population databases (gnomAD no frequency). This variant has not been reported in the literature in individuals affected with SPATA5-related conditions. Advanced modeling of protein sequence and biophysical properties (such as structural, functional, and spatial information, amino acid conservation, physicochemical variation, residue mobility, and thermodynamic stability) performed at Invitae indicates that this missense variant is not expected to disrupt SPATA5 protein function. In summary, the available evidence is currently insufficient to determine the role of this variant in disease. Therefore, it has been classified as a Variant of Uncertain Significance.